The following is an entry in ClinVar:

ClinVar aggregate classification (germline): Conflicting classifications of pathogenicity. Review status: criteria provided, conflicting classifications (1 of 4 stars). 3 submissions from 3 submitters: Uncertain significance (2); Likely benign (1). Last evaluated 2024-08-28.

Conditions:
Inborn genetic diseases. Identifiers: MedGen C0950123, MeSH D030342.
Neuropathy, hereditary sensory and autonomic, type 2A (HSAN2A). Also called: HSAN IIA; ACROOSTEOLYSIS, GIACCAI TYPE; ACROOSTEOLYSIS, NEUROGENIC; MORVAN DISEASE; NEUROPATHY, CONGENITAL SENSORY; NEUROPATHY, HEREDITARY SENSORY RADICULAR, AUTOSOMAL RECESSIVE. Identifiers: Orphanet 970, MedGen C2752089, MONDO:0024309, OMIM 201300.
Pseudohypoaldosteronism type 2C (PHA2C). Also called: Pseudohypoaldosteronism Type IIC. Identifiers: Orphanet 757, Orphanet 88940, MedGen C1840391, MONDO:0013778, OMIM 614492.

Allele frequency attached by ClinVar (database versions not stated): gnomAD exomes below 0.00001; gnomAD 0.00001; TOPMed 0.00001; ExAC 0.00002.
gnomAD v4.1: 7 of 1,614,042 alleles (0.00043%); highest among the groups gnomAD compares: Non-Finnish European, 0.00059%; no homozygotes.

Submissions (3):

Labcorp Genetics (formerly Invitae), Labcorp
Classification: Uncertain significance for Neuropathy, hereditary sensory and autonomic, type 2A; Pseudohypoaldosteronism type 2C. Last evaluated: 2024-08-28. Review status: criteria provided, single submitter. Criteria: Invitae Variant Classification Sherloc (09022015). Collection method: clinical testing. Allele origin: germline.
Comment: This sequence change replaces threonine, which is neutral and polar, with alanine, which is neutral and non-polar, at codon 2083 of the WNK1 protein (p.Thr2083Ala). This variant is present in population databases (rs763932979, gnomAD 0.002%). This variant has not been reported in the literature in individuals affected with WNK1-related conditions. ClinVar contains an entry for this variant (Variation ID: 1752403). Invitae Evidence Modeling of protein sequence and biophysical properties (such as structural, functional, and spatial information, amino acid conservation, physicochemical variation, residue mobility, and thermodynamic stability) indicates that this missense variant is not expected to disrupt WNK1 protein function with a negative predictive value of 95%. In summary, the available evidence is currently insufficient to determine the role of this variant in disease. Therefore, it has been classified as a Variant of Uncertain Significance.

CeGaT Center for Human Genetics Tuebingen
Classification: Uncertain significance. Last evaluated: 2023-10-01. Review status: criteria provided, single submitter. Criteria: CeGaT Center For Human Genetics Tuebingen Variant Classification Criteria Version 2. Collection method: clinical testing. Allele origin: germline. Affected: yes. Observed: 1 variant allele.
Comment: WNK1: PM2:Supporting, BP4

Ambry Genetics
Classification: Likely benign for Inborn genetic diseases. Last evaluated: 2021-02-02. Review status: criteria provided, single submitter. Criteria: Ambry Variant Classification Scheme 2023. Collection method: clinical testing. Allele origin: germline.

NM_018979.4(WNK1):c.5491A>G (p.Thr1831Ala)

Gene: WNK1 (WNK lysine deficient protein kinase 1; plus strand). Cytogenetic location: 12p13.33.
Variant type: single nucleotide variant.
Coding change: c.5491A>G on transcript NM_018979.4 (MANE Select); coding-DNA position 5491, A replaced by G.
Protein change: p.Thr1831Ala; replaces threonine 1831 with alanine.
Molecular consequence: missense variant.
Genome position (GRCh38, 1-based): chr12:890,495, A>G. VCF-style: chr12-890495-A-G. GRCh37 (hg19) VCF-style: chr12-999661-A-G.
Other names: c.6271A>G, p.Thr2091Ala (NM_001184985.2); c.4750A>G, p.Thr1584Ala (NM_014823.3); c.6247A>G, p.Thr2083Ala (NM_213655.5); short protein forms T1584A, T1831A, T2083A, T2091A.
Identifiers: ClinVar variation 1752403 (VCV001752403.28), dbSNP rs763932979, ClinGen allele CA6383204.